The following is an entry in ClinVar:

NM_130466.4(UBE3B):c.1417dup (p.Thr473fs)

Gene: UBE3B (ubiquitin protein ligase E3B; plus strand). Cytogenetic location: 12q24.11.
Variant type: Duplication.
Coding change: c.1417dup on transcript NM_130466.4 (MANE Select); coding-DNA position 1417, one base duplicated (A; older notation c.1417dupA).
Protein change: p.Thr473fs; shifts the reading frame from threonine 473.
Molecular consequence: frameshift variant.
Genome position (GRCh38, 1-based): chr12:109,503,157, A duplicated; the last of 2 consecutive A bases (chr12:109,503,156-109,503,157); duplicating either gives the same sequence. VCF-style (leftmost placement, unchanged base first): chr12-109503155-C-CA. GRCh37 (hg19) VCF-style: chr12-109940960-C-CA.
Other names: c.1417dup, p.Thr473fs (NM_183415.3); short protein forms T473fs.
Identifiers: ClinVar variation 3647086 (VCV003647086.2).
Genomic context (GRCh38, chr12:109,503,155, plus strand): 5'-TCGACTCTGCAGAAGTCCAGAAGGTTTGCAACATCTGTGTCCTCTACCAGACCTCGCTGA[C>CA]AACTCTCACACAGATTCGGCTGCAGATACTCACAGGTTCGCAGTCCCCAGGGCATCTTCT-3'

ClinVar aggregate classification (germline): Pathogenic (1 of 4 stars; one submission).

Submission:

Labcorp Genetics (formerly Invitae), Labcorp
Classification: Pathogenic. Last evaluated: 2024-05-09. Review status: criteria provided, single submitter. Criteria: Invitae Variant Classification Sherloc (09022015). Collection method: clinical testing. Allele origin: germline.
Comment: This sequence change creates a premature translational stop signal (p.Thr473Asnfs*17) in the UBE3B gene. It is expected to result in an absent or disrupted protein product. Loss-of-function variants in UBE3B are known to be pathogenic (PMID: 23687348, 24615390). This variant is not present in population databases (gnomAD no frequency). This variant has not been reported in the literature in individuals affected with UBE3B-related conditions. For these reasons, this variant has been classified as Pathogenic.

Literature cited by the submitters: PubMed 23687348; PubMed 24615390.